The following is an entry in ClinVar:

NM_182920.2(ADAMTS9):c.3591T>C (p.Thr1197=)

Gene: ADAMTS9 (ADAM metallopeptidase with thrombospondin type 1 motif 9; minus strand). Cytogenetic location: 3p14.1.
Variant type: single nucleotide variant.
Coding change: c.3591T>C on transcript NM_182920.2 (MANE Select); coding-DNA position 3591, T replaced by C.
Protein change: p.Thr1197=; no amino-acid change (threonine 1197 retained).
Molecular consequence: synonymous variant.
Genome position (GRCh38, 1-based): chr3:64,604,078, A>G on the plus strand (T>C on the coding strand, the complement: ADAMTS9 is on the minus strand). VCF-style: chr3-64604078-A-G. GRCh37 (hg19) VCF-style: chr3-64589754-A-G.
Other names: c.3507T>C, p.Thr1169= (NM_001318781.2).
Identifiers: ClinVar variation 2653946 (VCV002653946.24), dbSNP rs773873069, ClinGen allele CA2480758.
Genomic context (GRCh38, chr3:64,604,078, plus strand): 5'-AGCCACAGAGCCATTCTCATCTCGGCAGCTGACGTATCTCATCCGGGTACCTTTCCCACA[A>G]GTGGCTGAGCACTGGGTGTTGGAGTAAAATCATGCAGTTATATTACGTGGAATGGCTGCT-3'
Protein context (NP_891550.1, residues 1187-1207): RFGSWTPCSA[Thr1197=]CGKGTRMRYV

ClinVar aggregate classification (germline): Likely benign (1 of 4 stars; one submission).

Allele frequency attached by ClinVar (database versions not stated): TOPMed 0.00001.
gnomAD v4.1: 23 of 1,613,910 alleles (0.0014%); highest among the groups gnomAD compares: East Asian, 0.0022%; no homozygotes.

Submission:

CeGaT Center for Human Genetics Tuebingen
Classification: Likely benign. Last evaluated: 2023-01-01. Review status: criteria provided, single submitter. Criteria: CeGaT Center For Human Genetics Tuebingen Variant Classification Criteria Version 2. Collection method: clinical testing. Allele origin: germline. Affected: yes. Observed: 1 variant allele.
Comment: ADAMTS9: BP4, BP7